The following is an entry in ClinVar:

ClinVar aggregate classification (germline): Uncertain significance (1 of 4 stars; one submission).

Conditions:
Hereditary cancer-predisposing syndrome. Also called: Hereditary Cancer Syndrome; Hereditary neoplastic syndrome; Neoplastic Syndromes, Hereditary; Tumor predisposition. Identifiers: Orphanet 140162, MedGen C0027672, MeSH D009386, MONDO:0015356.

Submission:

Ambry Genetics
Classification: Uncertain significance for Hereditary cancer-predisposing syndrome. Last evaluated: 2020-08-07. Review status: criteria provided, single submitter. Criteria: Ambry Variant Classification Scheme 2023. Collection method: clinical testing. Allele origin: germline.
Comment: The p.S1449I variant (also known as c.4346G>T), located in coding exon 30 of the SMARCA4 gene, results from a G to T substitution at nucleotide position 4346. The serine at codon 1449 is replaced by isoleucine, an amino acid with dissimilar properties. This amino acid position is not well conserved in available vertebrate species. In addition, this alteration is predicted to be tolerated by in silico analysis. Since supporting evidence is limited at this time, the clinical significance of this alteration remains unclear.

NM_003072.5(SMARCA4):c.4250G>T (p.Ser1417Ile)

Gene: SMARCA4 (SWI/SNF related BAF chromatin remodeling complex subunit ATPase 4; plus strand). Cytogenetic location: 19p13.2.
Variant type: single nucleotide variant.
Coding change: c.4250G>T on transcript NM_003072.5 (MANE Select); coding-DNA position 4250, G replaced by T.
Protein change: p.Ser1417Ile; replaces serine 1417 with isoleucine.
Molecular consequence: missense variant. On other transcripts: non-coding transcript variant (1).
Genome position (GRCh38, 1-based): chr19:11,041,386, G>T. VCF-style: chr19-11041386-G-T. GRCh37 (hg19) VCF-style: chr19-11152062-G-T.
Other names: c.4250G>T, p.Ser1417Ile (NM_001128844.3); c.4160G>T, p.Ser1387Ile (NM_001128845.2, NM_001128846.2); c.4151G>T, p.Ser1384Ile (NM_001128847.4, NM_001128848.2, NM_001374457.1); c.4346G>T, p.Ser1449Ile (NM_001128849.3, NM_001387283.1); c.4247G>T, p.Ser1416Ile (NM_001411150.1); short protein forms S1384I, S1387I, S1449I, S1416I, S1417I.
Identifiers: ClinVar variation 1739890 (VCV001739890.2), dbSNP rs1158882017, ClinGen allele CA404073225.
Genomic context (GRCh38, chr19:11,041,386, plus strand): 5'-TGGAGGAGATCGAAGAGGAGGTCCGGCAGAAGAAATCATCACGGAAGCGCAAGCGAGACA[G>T]CGACGCCGGCTCCTCCACCCCGACCACCAGCACCCGCAGCCGCGACAAGGACGACGAGAG-3'
Protein context (NP_003063.2, residues 1407-1427): KKSSRKRKRD[Ser1417Ile]DAGSSTPTTS